The following is an entry in ClinVar:

NM_001371596.2(MFSD8):c.974T>G (p.Leu325Ter)

Gene: MFSD8 (major facilitator superfamily domain containing 8; minus strand). Cytogenetic location: 4q28.2.
Variant type: single nucleotide variant.
Coding change: c.974T>G on transcript NM_001371596.2 (MANE Select); coding-DNA position 974, T replaced by G.
Protein change: p.Leu325Ter; replaces leucine 325 with a stop codon.
Molecular consequence: nonsense.
Genome position (GRCh38, 1-based): chr4:127,930,707, A>C on the plus strand (T>G on the coding strand, the complement: MFSD8 is on the minus strand). VCF-style: chr4-127930707-A-C. GRCh37 (hg19) VCF-style: chr4-128851862-A-C.
Other names: c.773T>G, p.Leu258Ter (NM_001363520.3); c.659T>G, p.Leu220Ter (NM_001363521.3); c.839T>G, p.Leu280Ter (NM_001371590.2); c.974T>G, p.Leu325Ter (NM_001371591.2, NM_152778.4); c.980T>G, p.Leu327Ter (NM_001371592.2); c.860T>G, p.Leu287Ter (NM_001371593.2, NM_001410766.1); c.827T>G, p.Leu276Ter (NM_001371594.2); c.692T>G, p.Leu231Ter (NM_001371595.1); and 1 more; short protein forms L231*, L276*, L325*, L220*, L258*, L327*, L175*, L280*.
Identifiers: ClinVar variation 2012972 (VCV002012972.4), dbSNP rs2546083130, ClinGen allele CA358173570.

ClinVar aggregate classification (germline): Pathogenic (1 of 4 stars; one submission).

Conditions:
Neuronal ceroid lipofuscinosis 7 (CLN7). Also called: MFSD8-Related Neuronal Ceroid-Lipofuscinosis. Identifiers: Orphanet 168491, Orphanet 228366, MedGen C1838571, MONDO:0012588, OMIM 610951.

Submission:

Labcorp Genetics (formerly Invitae), Labcorp
Classification: Pathogenic for Neuronal ceroid lipofuscinosis 7. Last evaluated: 2022-07-01. Review status: criteria provided, single submitter. Criteria: Invitae Variant Classification Sherloc (09022015). Collection method: clinical testing. Allele origin: germline.
Comment: For these reasons, this variant has been classified as Pathogenic. This variant has not been reported in the literature in individuals affected with MFSD8-related conditions. This variant is not present in population databases (gnomAD no frequency). This sequence change creates a premature translational stop signal (p.Leu325*) in the MFSD8 gene. It is expected to result in an absent or disrupted protein product. Loss-of-function variants in MFSD8 are known to be pathogenic (PMID: 19177532, 25227500, 28586915).

Literature cited by the submitters: PubMed 19177532; PubMed 25227500; PubMed 28586915.